The following is an entry in ClinVar:

ClinVar aggregate classification (germline): Uncertain significance. Review status: criteria provided, multiple submitters, no conflicts (2 of 4 stars). 3 submissions from 3 submitters: Uncertain significance (3). Last evaluated 2025-12-30.

Conditions:
Familial atrial myxoma. Identifiers: Orphanet 615, MedGen C2931787, MONDO:0009719, OMIM 255960.
Carney complex, type 1 (CNC1). Also called: CARNEY MYXOMA-ENDOCRINE COMPLEX; CARNEY COMPLEX, TYPE I. Identifiers: Orphanet 1359, MedGen C2607929, MONDO:0008057, OMIM 160980.
Pigmented nodular adrenocortical disease, primary, 1 (PPNAD1). Also called: ADRENOCORTICAL NODULAR DYSPLASIA, PRIMARY; PIGMENTED MICRONODULAR ADRENOCORTICAL DISEASE, PRIMARY, 1; CUSHING SYNDROME, ADRENAL, DUE TO PPNAD1. Identifiers: Orphanet 189439, MedGen C1864846, MONDO:0012509, OMIM 610489.
Acrodysostosis 1 with or without hormone resistance (ACRDYS1). Also called: ACRODYSOSTOSIS 1 WITH HORMONE RESISTANCE; ACRODYSOSTOSIS 1 WITHOUT HORMONE RESISTANCE; ACRODYSOSTOSIS WITH HORMONE RESISTANCE. Identifiers: Orphanet 280651, MedGen C3276228, MONDO:0007044, OMIM 101800.
Hereditary cancer-predisposing syndrome. Also called: Neoplastic Syndromes, Hereditary; Tumor predisposition; Hereditary neoplastic syndrome; Hereditary Cancer Syndrome. Identifiers: Orphanet 140162, MedGen C0027672, MeSH D009386, MONDO:0015356.

Allele frequency attached by ClinVar (database versions not stated): TOPMed below 0.00001; gnomAD exomes 0.00001.
gnomAD v4.1: 9 of 1,614,046 alleles (0.00056%); highest among the groups gnomAD compares: Non-Finnish European, 0.00068%; no homozygotes.

Submissions (3):

Labcorp Genetics (formerly Invitae), Labcorp
Classification: Uncertain significance for Carney complex, type 1. Last evaluated: 2025-12-30. Review status: criteria provided, single submitter. Criteria: Invitae Variant Classification Sherloc (09022015). Collection method: clinical testing. Allele origin: germline.
Comment: This sequence change replaces serine, which is neutral and polar, with leucine, which is neutral and non-polar, at codon 155 of the PRKAR1A protein (p.Ser155Leu). This variant is not present in population databases (gnomAD no frequency). This variant has not been reported in the literature in individuals affected with PRKAR1A-related conditions. ClinVar contains an entry for this variant (Variation ID: 580520). Invitae Evidence Modeling of protein sequence and biophysical properties (such as structural, functional, and spatial information, amino acid conservation, physicochemical variation, residue mobility, and thermodynamic stability) indicates that this missense variant is not expected to disrupt PRKAR1A protein function with a negative predictive value of 95%. In summary, the available evidence is currently insufficient to determine the role of this variant in disease. Therefore, it has been classified as a Variant of Uncertain Significance.

Ambry Genetics
Classification: Uncertain significance for Hereditary cancer-predisposing syndrome. Last evaluated: 2025-01-10. Review status: criteria provided, single submitter. Criteria: Ambry Variant Classification Scheme 2023. Collection method: clinical testing. Allele origin: germline.
Comment: The p.S155L variant (also known as c.464C>T), located in coding exon 4 of the PRKAR1A gene, results from a C to T substitution at nucleotide position 464. The serine at codon 155 is replaced by leucine, an amino acid with dissimilar properties. This amino acid position is conserved. In addition, the in silico prediction for this alteration is inconclusive. Since supporting evidence is limited at this time, the clinical significance of this alteration remains unclear.

Fulgent Genetics
Classification: Uncertain significance for Acrodysostosis 1 with or without hormone resistance; Carney complex, type 1; Familial atrial myxoma; Pigmented nodular adrenocortical disease, primary, 1. Last evaluated: 2021-09-16. Review status: criteria provided, single submitter. Criteria: ACMG Guidelines, 2015. Collection method: clinical testing. Allele origin: unknown.

NM_002734.5(PRKAR1A):c.464C>T (p.Ser155Leu)

Gene: PRKAR1A (protein kinase cAMP-dependent type I regulatory subunit alpha; plus strand). Cytogenetic location: 17q24.2.
Variant type: single nucleotide variant.
Coding change: c.464C>T on transcript NM_002734.5 (MANE Select); coding-DNA position 464, C replaced by T.
Protein change: p.Ser155Leu; replaces serine 155 with leucine.
Molecular consequence: missense variant.
Genome position (GRCh38, 1-based): chr17:68,524,039, C>T. VCF-style: chr17-68524039-C-T. GRCh37 (hg19) VCF-style: chr17-66520180-C-T.
Other names: c.464C>T, p.Ser155Leu (NM_001276289.2, NM_001276290.1, NM_001278433.2 and 4 more transcripts); c.464C>T (NM_002734.3); short protein forms S155L.
Identifiers: ClinVar variation 580520 (VCV000580520.12), dbSNP rs1568696484, ClinGen allele CA400752830.